The following is an entry in ClinVar:

ClinVar aggregate classification (germline): Uncertain significance (1 of 4 stars; one submission).

Conditions:
Medulloblastoma (MDB). Also called: Medulloblastoma, somatic; MEDULLOBLASTOMA PREDISPOSITION SYNDROME. Identifiers: Orphanet 616, MedGen C0025149, MeSH D008527, MONDO:0007959, OMIM 155255, HP:0002885.
Gorlin syndrome. Also called: Nevoid Basal Cell Carcinoma Syndrome; Basal cell nevus syndrome. Identifiers: Orphanet 377, MedGen C0004779, MONDO:0007187.

Submission:

Labcorp Genetics (formerly Invitae), Labcorp
Classification: Uncertain significance for Gorlin syndrome; Medulloblastoma. Last evaluated: 2022-11-23. Review status: criteria provided, single submitter. Criteria: Invitae Variant Classification Sherloc (09022015). Collection method: clinical testing. Allele origin: germline.
Comment: In summary, the available evidence is currently insufficient to determine the role of this variant in disease. Therefore, it has been classified as a Variant of Uncertain Significance. Advanced modeling of protein sequence and biophysical properties (such as structural, functional, and spatial information, amino acid conservation, physicochemical variation, residue mobility, and thermodynamic stability) performed at Invitae indicates that this missense variant is not expected to disrupt SUFU protein function. ClinVar contains an entry for this variant (Variation ID: 948711). This variant has not been reported in the literature in individuals affected with SUFU-related conditions. This variant is not present in population databases (gnomAD no frequency). This sequence change replaces aspartic acid, which is acidic and polar, with glutamic acid, which is acidic and polar, at codon 111 of the SUFU protein (p.Asp111Glu).

NM_016169.4(SUFU):c.333T>G (p.Asp111Glu)

Gene: SUFU (SUFU negative regulator of hedgehog signaling; plus strand). Cytogenetic location: 10q24.32.
Variant type: single nucleotide variant.
Coding change: c.333T>G on transcript NM_016169.4 (MANE Select); coding-DNA position 333, T replaced by G.
Protein change: p.Asp111Glu; replaces aspartic acid 111 with glutamic acid.
Molecular consequence: missense variant.
Genome position (GRCh38, 1-based): chr10:102,549,985, T>G. VCF-style: chr10-102549985-T-G. GRCh37 (hg19) VCF-style: chr10-104309742-T-G.
Other names: c.333T>G, p.Asp111Glu (NM_001178133.2); short protein forms D111E.
Identifiers: ClinVar variation 948711 (VCV000948711.10), dbSNP rs2062895698, ClinGen allele CA377903025.
Genomic context (GRCh38, chr10:102,549,985, plus strand): 5'-CCTAAGGTAATTGAGCTTAAAACACTTGCTTTTTATGTCTTTCAGGTTTACAGGAACAGA[T>G]GGACCTAGTGGTTTTGGCTTTGAGTTGACCTTTCGTCTGAAGAGAGAAACTGGGGAGTCT-3'
Protein context (NP_057253.2, residues 101-121): DNRVHEFTGT[Asp111Glu]GPSGFGFELT